The following is an entry in ClinVar:

ClinVar aggregate classification (germline): Benign. Review status: criteria provided, multiple submitters, no conflicts (2 of 4 stars). 7 submissions from 7 submitters: Benign (5). 2 of the submissions do not count toward it. Last evaluated 2022-04-12.

Conditions:
Inborn genetic diseases. Identifiers: MedGen C0950123, MeSH D030342.
Fragile X syndrome. Also called: Fragile X syndrome, type A; Fra(X) syndrome; MARKER X SYNDROME; MARTIN-BELL SYNDROME; MENTAL RETARDATION, X-LINKED, ASSOCIATED WITH marXq28; X-LINKED MENTAL RETARDATION AND MACROORCHIDISM. Identifiers: Orphanet 449291, Orphanet 908, MedGen C0016667, MONDO:0010383, OMIM 300624. Disease mechanism: loss of function.
Premature ovarian failure 1 (POF1). Also called: Primary ovarian insufficiency, fragile X-associated; HYPERGONADOTROPIC OVARIAN FAILURE, X-LINKED; PREMATURE OVARIAN FAILURE, X-LINKED; Fragile x premature ovarian failure; FMR1-Related Primary Ovarian Insufficiency; FMR1 Primary Ovarian Insufficiency (FXPOI). Identifiers: Orphanet 642691, MedGen C4552079, MONDO:0010706, OMIM 311360.
Fragile X-associated tremor/ataxia syndrome. Also called: Fragile X-Associated Tremor/Ataxia Syndrome (FXTAS). Identifiers: Orphanet 93256, MedGen C1839780, MONDO:0010382, OMIM 300623.

Allele frequency attached by ClinVar (database versions not stated): gnomAD exomes 0.00772 and 0.00273; 1000 Genomes Project 0.02834; gnomAD 0.02573 and 0.02758; TOPMed 0.03029; 1000 Genomes Project 30x 0.02955; ExAC 0.01091; ESP Exome Variant Server 0.03370.
gnomAD v4.1: 5,948 of 1,191,575 alleles (0.5%); highest among the groups gnomAD compares: African/African-American, 8.9%; 192 homozygotes.

Submissions (7):

Fulgent Genetics
Classification: Benign for Fragile X-associated tremor/ataxia syndrome; Fragile X syndrome; Premature ovarian failure 1. Last evaluated: 2022-04-12. Review status: criteria provided, single submitter. Criteria: ACMG Guidelines, 2015. Collection method: clinical testing. Allele origin: unknown.

Mayo Clinic Laboratories, Mayo Clinic
Classification: Benign. Last evaluated: 2019-09-09. Review status: criteria provided, single submitter. Criteria: ACMG Guidelines, 2015. Collection method: clinical testing. Allele origin: germline. Observed: 23 variant alleles.

Eurofins Ntd Llc (ga)
Classification: Benign. Last evaluated: 2018-03-26. Review status: criteria provided, single submitter. Criteria: EGL ClinVar v180209 classification definitions. Collection method: clinical testing. Allele origin: germline. Observed: 6 variant alleles, 2 heterozygotes, 2 homozygotes, 2 hemizygotes.

Ambry Genetics
Classification: Benign for Inborn genetic diseases. Last evaluated: 2014-11-24. Review status: criteria provided, single submitter. Criteria: Ambry Variant Classification Scheme 2023. Collection method: clinical testing. Allele origin: germline.

Breakthrough Genomics
Classification: Benign. Review status: criteria provided, single submitter. Criteria: ACMG Guidelines, 2015. Collection method: not provided. Allele origin: germline. Inheritance: X-linked inheritance. Affected: yes.

Natera, Inc.
Classification: Benign for Fragile X syndrome. Last evaluated: 2020-09-16. Review status: no assertion criteria provided. Collection method: clinical testing. Allele origin: germline. Not counted in ClinVar's aggregate classification.

Genetic Services Laboratory, University of Chicago
Classification: Likely benign for AllHighlyPenetrant. Review status: no assertion criteria provided. Collection method: clinical testing. Allele origin: germline. Inheritance: X-linked inheritance. Not counted in ClinVar's aggregate classification.
Comment: Likely benign based on allele frequency in 1000 Genomes Project or ESP global frequency and its presence in a patient with a rare or unrelated disease phenotype. NOT Sanger confirmed.

NM_002024.6(FMR1):c.433G>T (p.Ala145Ser)

Gene: FMR1 (fragile X messenger ribonucleoprotein 1; plus strand). Cytogenetic location: Xq27.3.
Variant type: single nucleotide variant.
Coding change: c.433G>T on transcript NM_002024.6 (MANE Select); coding-DNA position 433, G replaced by T.
Protein change: p.Ala145Ser; replaces alanine 145 with serine.
Molecular consequence: missense variant. On other transcripts: non-coding transcript variant (2).
Genome position (GRCh38, 1-based): chrX:147,929,961, G>T. VCF-style: chrX-147929961-G-T. GRCh37 (hg19) VCF-style: chrX-147011480-G-T.
Other names: c.433G>T, p.Ala145Ser (NM_001185075.2, NM_001185076.2, NM_001185081.2 and 1 more transcripts); short protein forms A145S.
Identifiers: ClinVar variation 129104 (VCV000129104.17), dbSNP rs29281, ClinGen allele CA152897.
Genomic context (GRCh38, chrX:147,929,961, plus strand): 5'-CAGTAGTTGGTAATTATTCATCTTAATTTTTTTTTTTAAATTTCTAGGTGTGCCAAAGAG[G>T]CGGCACATAAGGATTTTAAAAAGGCAGTTGGTGCCTTTTCTGTAACTTATGATCCAGAAA-3'
Protein context (NP_002015.1, residues 135-155): EDLRQMCAKE[Ala145Ser]AHKDFKKAVG